The following is an entry in ClinVar:

ClinVar aggregate classification (germline): Conflicting classifications of pathogenicity. Review status: criteria provided, conflicting classifications (1 of 4 stars). 2 submissions from 2 submitters: Uncertain significance (1); Likely benign (1). Last evaluated 2025-01-16.

Conditions:
Gorlin syndrome. Also called: Basal cell nevus syndrome; Nevoid Basal Cell Carcinoma Syndrome. Identifiers: Orphanet 377, MedGen C0004779, MONDO:0007187.

Allele frequency attached by ClinVar (database versions not stated): gnomAD exomes below 0.00001; TOPMed below 0.00001.

Submissions (2):

Ambry Genetics
Classification: Likely benign. Last evaluated: 2025-01-16. Review status: criteria provided, single submitter. Criteria: Ambry Variant Classification Scheme 2023. Collection method: clinical testing. Allele origin: germline.

Labcorp Genetics (formerly Invitae), Labcorp
Classification: Uncertain significance for Gorlin syndrome. Last evaluated: 2022-09-25. Review status: criteria provided, single submitter. Criteria: Invitae Variant Classification Sherloc (09022015). Collection method: clinical testing. Allele origin: germline.
Comment: The frequency data for this variant in the population databases is considered unreliable, as metrics indicate poor data quality at this position in the gnomAD database. In summary, the available evidence is currently insufficient to determine the role of this variant in disease. Therefore, it has been classified as a Variant of Uncertain Significance. Advanced modeling of protein sequence and biophysical properties (such as structural, functional, and spatial information, amino acid conservation, physicochemical variation, residue mobility, and thermodynamic stability) performed at Invitae indicates that this missense variant is not expected to disrupt PTCH2 protein function. This variant has not been reported in the literature in individuals affected with PTCH2-related conditions. This sequence change replaces arginine, which is basic and polar, with histidine, which is basic and polar, at codon 915 of the PTCH2 protein (p.Arg915His).

NM_003738.5(PTCH2):c.2744G>A (p.Arg915His)

Gene: PTCH2 (patched 2; minus strand). Cytogenetic location: 1p34.1.
Variant type: single nucleotide variant.
Coding change: c.2744G>A on transcript NM_003738.5 (MANE Select); coding-DNA position 2744, G replaced by A.
Protein change: p.Arg915His; replaces arginine 915 with histidine.
Molecular consequence: missense variant.
Genome position (GRCh38, 1-based): chr1:44,826,720, C>T on the plus strand (G>A on the coding strand, the complement: PTCH2 is on the minus strand). VCF-style: chr1-44826720-C-T. GRCh37 (hg19) VCF-style: chr1-45292392-C-T.
Other names: c.2744G>A, p.Arg915His (NM_001166292.2); c.2744G>A (NM_003738.4); short protein forms R915H.
Identifiers: ClinVar variation 1965384 (VCV001965384.6), dbSNP rs1389288169, ClinGen allele CA340093881.